The following is an entry in ClinVar:

ClinVar aggregate classification (germline): Uncertain significance (1 of 4 stars; one submission).

Submission:

Center for Pediatric Genomic Medicine, Children's Mercy Hospital and Clinics
Classification: Uncertain significance. Last evaluated: 2016-01-21. Review status: criteria provided, single submitter. Criteria: ACMG Guidelines, 2015. Collection method: clinical testing. Allele origin: germline.
ClinVar note: Converted during submission from Uncertain Significance to Uncertain significance.

NM_005629.4(SLC6A8):c.262+6T>C

Gene: SLC6A8 (solute carrier family 6 member 8; plus strand). Cytogenetic location: Xq28.
Variant type: single nucleotide variant.
Coding change: c.262+6T>C on transcript NM_005629.4 (MANE Select); 6 bases into the intron after coding-DNA position 262, T replaced by C.
Molecular consequence: intron variant.
Genome position (GRCh38, 1-based): chrX:153,688,842, T>C. VCF-style: chrX-153688842-T-C. GRCh37 (hg19) VCF-style: chrX-152954297-T-C.
Other names: c.262+6T>C (NM_001142805.2).
Identifiers: ClinVar variation 235455 (VCV000235455.3), dbSNP rs878853039, ClinGen allele CA10581315.